The following is an entry in ClinVar:

ClinVar aggregate classification (germline): Uncertain significance (0 of 4 stars; one submission).

Conditions:
TUBB2B-related disorder. Also called: TUBB2B-related condition.

Submission:

PreventionGenetics, part of Exact Sciences
Classification: Uncertain significance for TUBB2B-related condition. Last evaluated: 2024-02-20. Review status: no assertion criteria provided. Collection method: clinical testing. Allele origin: germline.
Comment: The TUBB2B c.990G>A variant is predicted to result in the amino acid substitution p.Met330Ile. To our knowledge, this variant has not been reported in the literature or in a large population database, indicating this variant is rare. At this time, the clinical significance of this variant is uncertain due to the absence of conclusive functional and genetic evidence.

NM_178012.5(TUBB2B):c.990G>A (p.Met330Ile)

Gene: TUBB2B (tubulin beta 2B class IIb; minus strand). Cytogenetic location: 6p25.2.
Variant type: single nucleotide variant.
Coding change: c.990G>A on transcript NM_178012.5 (MANE Select); coding-DNA position 990, G replaced by A.
Protein change: p.Met330Ile; replaces methionine 330 with isoleucine.
Molecular consequence: missense variant.
Genome position (GRCh38, 1-based): chr6:3,225,099, C>T on the plus strand (G>A on the coding strand, the complement: TUBB2B is on the minus strand). VCF-style: chr6-3225099-C-T. GRCh37 (hg19) VCF-style: chr6-3225333-C-T.
Other names: short protein forms M330I.
Identifiers: ClinVar variation 3061369 (VCV003061369.2), dbSNP rs2533617173, ClinGen allele CA362586178.